The following is an entry in ClinVar:

NM_000179.3(MSH6):c.1207C>T (p.Leu403Phe)

Gene: MSH6 (mutS homolog 6; plus strand). Cytogenetic location: 2p16.3.
Variant type: single nucleotide variant.
Coding change: c.1207C>T on transcript NM_000179.3 (MANE Select); coding-DNA position 1207, C replaced by T.
Protein change: p.Leu403Phe; replaces leucine 403 with phenylalanine.
Molecular consequence: missense variant.
Genome position (GRCh38, 1-based): chr2:47,799,190, C>T. VCF-style: chr2-47799190-C-T. GRCh37 (hg19) VCF-style: chr2-48026329-C-T.
Other names: c.817C>T, p.Leu273Phe (NM_001281492.2); c.301C>T, p.Leu101Phe (NM_001281493.2, NM_001281494.2); short protein forms L403F, L273F, L101F.
Identifiers: ClinVar variation 231557 (VCV000231557.20), dbSNP rs876659223, ClinGen allele CA10578065.
Genomic context (GRCh38, chr2:47,799,190, plus strand): 5'-AGGAGGAGGCCTGATCACCCCGATTTTGATGCATCTACACTCTATGTGCCTGAGGATTTC[C>T]TCAATTCTTGTACTCCTGGGATGAGGAAGTGGTGGCAGATTAAGTCTCAGAACTTTGATC-3'
Protein context (NP_000170.1, residues 393-413): ASTLYVPEDF[Leu403Phe]NSCTPGMRKW

ClinVar aggregate classification (germline): Conflicting classifications of pathogenicity. Review status: criteria provided, conflicting classifications (1 of 4 stars). 3 submissions from 3 submitters: Uncertain significance (2); Benign (1). Last evaluated 2025-12-08.

Conditions:
Hereditary nonpolyposis colorectal neoplasms. Identifiers: MedGen C0009405, MeSH D003123.
Hereditary cancer-predisposing syndrome. Also called: Neoplastic Syndromes, Hereditary; Tumor predisposition; Hereditary Cancer Syndrome; Hereditary neoplastic syndrome. Identifiers: Orphanet 140162, MedGen C0027672, MeSH D009386, MONDO:0015356.

Allele frequency attached by ClinVar (database versions not stated): TOPMed below 0.00001.

Submissions (3):

Labcorp Genetics (formerly Invitae), Labcorp
Classification: Benign for Hereditary nonpolyposis colorectal neoplasms. Last evaluated: 2025-12-08. Review status: criteria provided, single submitter. Criteria: Invitae Variant Classification Sherloc (09022015). Collection method: clinical testing. Allele origin: germline.

Ambry Genetics
Classification: Uncertain significance for Hereditary cancer-predisposing syndrome. Last evaluated: 2025-05-18. Review status: criteria provided, single submitter. Criteria: Ambry Variant Classification Scheme 2023. Collection method: clinical testing. Allele origin: germline.
Comment: The p.L403F variant (also known as c.1207C>T), located in coding exon 4 of the MSH6 gene, results from a C to T substitution at nucleotide position 1207. The leucine at codon 403 is replaced by phenylalanine, an amino acid with highly similar properties. This amino acid position is well conserved in available vertebrate species. In addition, the in silico prediction for this alteration is inconclusive. Since supporting evidence is limited at this time, the clinical significance of this alteration remains unclear.

Color Diagnostics, LLC DBA Color Health
Classification: Uncertain significance for Hereditary cancer-predisposing syndrome. Last evaluated: 2023-12-05. Review status: criteria provided, single submitter. Criteria: ACMG Guidelines, 2015. Collection method: clinical testing. Allele origin: germline.
Comment: This missense variant replaces leucine with phenylalanine at codon 403 of the MSH6 protein. Computational prediction is inconclusive regarding the impact of this variant on protein structure and function (internally defined REVEL score threshold 0.5 < inconclusive < 0.7, PMID: 27666373). To our knowledge, functional studies have not been reported for this variant. This variant has not been reported in individuals affected with MSH6-related disorders in the literature. This variant has not been identified in the general population by the Genome Aggregation Database (gnomAD). The available evidence is insufficient to determine the role of this variant in disease conclusively. Therefore, this variant is classified as a Variant of Uncertain Significance.